The following is an entry in ClinVar:

ClinVar aggregate classification (germline): Uncertain significance (1 of 4 stars; one submission).

Conditions:
TRPV4-related disorder. Also called: TRPV4-related disorders; TRPV4-related condition.

Submission:

3billion
Classification: Uncertain significance for TRPV4-related disorder. Last evaluated: 2024-07-31. Review status: criteria provided, single submitter. Criteria: ACMG Guidelines, 2015. Collection method: clinical testing. Allele origin: germline. Affected: yes.
Comment: The variant is not observed in the gnomAD v4.0.0 dataset. Predicted Consequence/Location: Missense changes are a common disease-causing mechanism. In silico tool predictions suggest damaging effect of the variant on gene or gene product [REVEL: 0.94 (>=0.6, sensitivity 0.68 and specificity 0.92); 3Cnet: 0.80 (>=0.6, sensitivity 0.72 and precision 0.9)]. Therefore, this variant is classified as VUS according to the recommendation of ACMG/AMP guideline.

NM_021625.5(TRPV4):c.1814T>C (p.Met605Thr)

Gene: TRPV4 (transient receptor potential cation channel subfamily V member 4; minus strand). Cytogenetic location: 12q24.11.
Variant type: single nucleotide variant.
Coding change: c.1814T>C on transcript NM_021625.5 (MANE Select); coding-DNA position 1814, T replaced by C.
Protein change: p.Met605Thr; replaces methionine 605 with threonine.
Molecular consequence: missense variant.
Genome position (GRCh38, 1-based): chr12:109,792,662, A>G on the plus strand (T>C on the coding strand, the complement: TRPV4 is on the minus strand). VCF-style: chr12-109792662-A-G. GRCh37 (hg19) VCF-style: chr12-110230467-A-G.
Other names: c.1673T>C, p.Met558Thr (NM_001177428.2); c.1712T>C, p.Met571Thr (NM_001177431.2); c.1493T>C, p.Met498Thr (NM_001177433.2); c.1634T>C, p.Met545Thr (NM_147204.3); short protein forms M498T, M545T, M558T, M571T, M605T.
Identifiers: ClinVar variation 4292429 (VCV004292429.1).